The following is an entry in ClinVar:

ClinVar aggregate classification (germline): Pathogenic. Review status: reviewed by expert panel (3 of 4 stars). 2 submissions from 2 submitters: Pathogenic (1). 1 of the submissions does not count toward it. Last evaluated 2024-01-22.

Conditions:
Monogenic diabetes. Identifiers: Orphanet 183625, MedGen C3888631, MONDO:0015967.

Allele frequency attached by ClinVar (database versions not stated): gnomAD exomes below 0.00001.

Submissions (2):

ClinGen Monogenic Diabetes Variant Curation Expert Panel
Classification: Pathogenic for Monogenic diabetes. Last evaluated: 2024-01-22. Review status: reviewed by expert panel. Criteria: ClinGen Diabetes ACMG Specifications HNF1A V2.1.0. Collection method: curation. Allele origin: germline. Inheritance: Autosomal dominant inheritance.
Comment: The c.646C>T variant in the HNF1 homeobox A gene, HNF1A, results in a premature termination at codon 216 (p.(Gln216Ter)) of NM_000545.8. This variant, located in biologically-relevant exon 3 of 10, is predicted to lead to nonsense mediated decay in a gene in which loss-of-function is an established disease mechanism (PVS1; PMID: 23348805). This variant is absent in gnomAD v2.1.1 (PM2_Supporting), and was identified in two unrelated individuals with non-autoimmune and non-absolute/near-absolute insulin-deficient diabetes; however, PS4_Moderate cannot be applied because this number is below the ClinGen MDEP threshold (PMID:23348805, internal lab contributors). One of these individuals has a clinical history highly specific for HNF1A-monogenic diabetes (MODY probability calculator result >50%, negative genetic testing for HNF4A, and negative antibodies) (PP4_Moderate; internal lab contributors). This variant segregated with diabetes, with four informative meioses in two families (PP1_Strong; internal lab contributors). In summary, c.646C>T meets the criteria to be classified as pathogenic for monogenic diabetes. ACMG/AMP criteria applied, as specified by the ClinGen MDEP (specification version 2.1.0, approved 8/11/2023): PVS1, PP1_Strong, PP4_Moderate, PM2_Supporting.

GeneDx
Classification: Pathogenic. Last evaluated: 2025-01-10. Review status: criteria provided, single submitter. Criteria: GeneDx Variant Classification Process June 2021. Collection method: clinical testing. Allele origin: germline. Affected: yes. Not counted in ClinVar's aggregate classification.
Comment: Reported in association with MODY in published literature (PMID: 36257325); however, proband clinical information not provided; Nonsense variant predicted to result in protein truncation or nonsense mediated decay in a gene for which loss of function is a known mechanism of disease; Not observed at significant frequency in large population cohorts (gnomAD); This variant is associated with the following publications: (PMID: 23348805, 36257325)

NM_000545.8(HNF1A):c.646C>T (p.Gln216Ter)

Gene: HNF1A (HNF1 homeobox A; plus strand). Cytogenetic location: 12q24.31.
Variant type: single nucleotide variant.
Coding change: c.646C>T on transcript NM_000545.8 (MANE Select); coding-DNA position 646, C replaced by T.
Protein change: p.Gln216Ter; replaces glutamine 216 with a stop codon.
Molecular consequence: nonsense.
Genome position (GRCh38, 1-based): chr12:120,993,639, C>T. VCF-style: chr12-120993639-C-T. GRCh37 (hg19) VCF-style: chr12-121431442-C-T.
Other names: NM_001306179.2:c.646C>T; c.646C>T, p.Gln216Ter (NM_001306179.2, NM_001406915.1); short protein forms Q216*.
Identifiers: ClinVar variation 2691840 (VCV002691840.2), dbSNP rs2499995544, ClinGen allele CA386964742.